The following is an entry in ClinVar:

ClinVar aggregate classification (germline): Uncertain significance (0 of 4 stars; one submission).

Conditions:
Bernard Soulier syndrome (BSS). Also called: BLEEDING DISORDER, PLATELET-TYPE, 1; Giant platelet syndrome; Hemorrhagiparous thrombocytic dystrophy; Giant platelet disease; PLATELET GLYCOPROTEIN Ib DEFICIENCY; VON WILLEBRAND FACTOR RECEPTOR DEFICIENCY. Identifiers: Orphanet 274, MedGen C0005129, MeSH D001606, MONDO:0009276, OMIM 231200.

Allele frequency attached by ClinVar (database versions not stated): gnomAD exomes below 0.00001; TOPMed below 0.00001.
gnomAD v4.1: 2 of 1,609,098 alleles (0.00012%); highest among the groups gnomAD compares: Non-Finnish European, 0.000085%; no homozygotes.

Submission:

ISTH-SSC Genomics in Thrombosis and Hemostasis, KU Leuven, Center for Molecular and Vascular Biology
Classification: Uncertain significance for Bernard Soulier syndrome. Review status: no assertion criteria provided. Collection method: clinical testing. Allele origin: unknown. Affected: yes.
Comment: Submitted to GoldVariant by Prof Kathleen Freson from Center for Molecular and Vascular Biology, Leuven, Belgium

NM_000174.5(GP9):c.341C>T (p.Ala114Val)

Gene: GP9 (glycoprotein IX platelet; plus strand). Cytogenetic location: 3q21.3.
Variant type: single nucleotide variant.
Coding change: c.341C>T on transcript NM_000174.5 (MANE Select); coding-DNA position 341, C replaced by T.
Protein change: p.Ala114Val; replaces alanine 114 with valine.
Molecular consequence: missense variant.
Genome position (GRCh38, 1-based): chr3:129,062,080, C>T. VCF-style: chr3-129062080-C-T. GRCh37 (hg19) VCF-style: chr3-128780923-C-T.
Other names: short protein forms A114V.
Identifiers: ClinVar variation 1684361 (VCV001684361.1), dbSNP rs896687623, ClinGen allele CA82552505.